The following is an entry in ClinVar:

ClinVar aggregate classification (germline): Uncertain significance (1 of 4 stars; one submission).

Allele frequency attached by ClinVar (database versions not stated): gnomAD exomes below 0.00001; ExAC 0.00001.
gnomAD v4.1: 1 of 1,613,652 alleles (0.000062%); highest among the groups gnomAD compares: Non-Finnish European, 0.000085%; no homozygotes.

Submission:

Labcorp Genetics (formerly Invitae), Labcorp
Classification: Uncertain significance. Last evaluated: 2022-07-05. Review status: criteria provided, single submitter. Criteria: Invitae Variant Classification Sherloc (09022015). Collection method: clinical testing. Allele origin: germline.
Comment: This sequence change replaces serine, which is neutral and polar, with phenylalanine, which is neutral and non-polar, at codon 43 of the HPS5 protein (p.Ser43Phe). This variant is present in population databases (rs750201530, gnomAD 0.0009%). This variant has not been reported in the literature in individuals affected with HPS5-related conditions. ClinVar contains an entry for this variant (Variation ID: 1415154). Algorithms developed to predict the effect of missense changes on protein structure and function are either unavailable or do not agree on the potential impact of this missense change (SIFT: "Deleterious"; PolyPhen-2: "Probably Damaging"; Align-GVGD: "Class C15"). In summary, the available evidence is currently insufficient to determine the role of this variant in disease. Therefore, it has been classified as a Variant of Uncertain Significance.

NM_181507.2(HPS5):c.128C>T (p.Ser43Phe)

Gene: HPS5 (HPS5 biogenesis of lysosomal organelles complex 2 subunit 2; minus strand). Cytogenetic location: 11p15.1.
Variant type: single nucleotide variant.
Coding change: c.128C>T on transcript NM_181507.2 (MANE Select); coding-DNA position 128, C replaced by T.
Protein change: p.Ser43Phe; replaces serine 43 with phenylalanine.
Molecular consequence: missense variant. On other transcripts: 5 prime UTR variant (1).
Genome position (GRCh38, 1-based): chr11:18,312,005, G>A on the plus strand (C>T on the coding strand, the complement: HPS5 is on the minus strand). VCF-style: chr11-18312005-G-A. GRCh37 (hg19) VCF-style: chr11-18333552-G-A.
Other names: c.-215C>T (NM_007216.4, NM_181508.2); short protein forms S43F.
Identifiers: ClinVar variation 1415154 (VCV001415154.5), dbSNP rs750201530, ClinGen allele CA5910562.